The following is an entry in ClinVar:

ClinVar aggregate classification (germline): Uncertain significance (1 of 4 stars; one submission).

Submission:

CeGaT Center for Human Genetics Tuebingen
Classification: Uncertain significance. Last evaluated: 2023-11-01. Review status: criteria provided, single submitter. Criteria: CeGaT Center For Human Genetics Tuebingen Variant Classification Criteria Version 2. Collection method: clinical testing. Allele origin: germline. Affected: yes. Observed: 1 variant allele.
Comment: TTN: PM2

NM_001267550.2(TTN):c.47758A>G (p.Lys15920Glu)

Genes: TTN (titin; minus strand), TTN-AS1 (TTN antisense RNA 1; plus strand). Cytogenetic location: 2q31.2.
Variant type: single nucleotide variant.
Coding change: c.47758A>G on transcript NM_001267550.2 (MANE Select); coding-DNA position 47758, A replaced by G.
Protein change: p.Lys15920Glu; replaces lysine 15920 with glutamic acid.
Molecular consequence: missense variant.
Genome position (GRCh38, 1-based): chr2:178,617,327, T>C on the plus strand (A>G on the coding strand, the complement: TTN is on the minus strand). VCF-style: chr2-178617327-T-C. GRCh37 (hg19) VCF-style: chr2-179482054-T-C.
Other names: c.42835A>G, p.Lys14279Glu (NM_001256850.1); c.20563A>G, p.Lys6855Glu (NM_003319.4); c.40054A>G, p.Lys13352Glu (NM_133378.4); c.20938A>G, p.Lys6980Glu (NM_133432.3); c.21139A>G, p.Lys7047Glu (NM_133437.4); short protein forms K13352E, K14279E, K15920E, K6855E, K6980E, K7047E.
Identifiers: ClinVar variation 2672843 (VCV002672843.23), dbSNP rs775513269, ClinGen allele CA349613507.